The following is an entry in ClinVar:

ClinVar aggregate classification (germline): Uncertain significance (1 of 4 stars; one submission).

gnomAD v4.1: 1 of 1,611,166 alleles (0.000062%); highest among the groups gnomAD compares: African/African-American, 0.0013%; no homozygotes.

Submission:

GeneDx
Classification: Uncertain significance. Last evaluated: 2024-06-06. Review status: criteria provided, single submitter. Criteria: GeneDx Variant Classification Process June 2021. Collection method: clinical testing. Allele origin: germline. Affected: yes.
Comment: Not observed at significant frequency in large population cohorts (gnomAD); In silico analysis supports that this missense variant has a deleterious effect on protein structure/function; Has not been previously published as pathogenic or benign to our knowledge

NM_024757.5(EHMT1):c.3809T>A (p.Leu1270Gln)

Gene: EHMT1 (euchromatic histone lysine methyltransferase 1; plus strand). Cytogenetic location: 9q34.3.
Variant type: single nucleotide variant.
Coding change: c.3809T>A on transcript NM_024757.5 (MANE Select); coding-DNA position 3809, T replaced by A.
Protein change: p.Leu1270Gln; replaces leucine 1270 with glutamine.
Molecular consequence: missense variant.
Genome position (GRCh38, 1-based): chr9:137,834,865, T>A. VCF-style: chr9-137834865-T-A. GRCh37 (hg19) VCF-style: chr9-140729317-T-A.
Other names: c.3788T>A, p.Leu1263Gln (NM_001354263.2); short protein forms L1263Q, L1270Q.
Identifiers: ClinVar variation 3384303 (VCV003384303.1).